The following is an entry in ClinVar:

ClinVar aggregate classification (germline): Likely benign. Review status: criteria provided, multiple submitters, no conflicts (2 of 4 stars). 4 submissions from 4 submitters: Likely benign (4). Last evaluated 2025-10-27.

Conditions:
Arrhythmogenic right ventricular dysplasia 5. Also called: Arrhythmogenic Right Ventricular Dysplasia/Cardiomyopathy 5; ARRHYTHMOGENIC RIGHT VENTRICULAR DYSPLASIA, FAMILIAL, 5. Identifiers: MedGen C1858379, MONDO:0011459, OMIM 604400.
Cardiovascular phenotype. Identifiers: MedGen CN230736.
Cardiomyopathy (CMYO). Also called: Cardiomyopathies. Identifiers: Orphanet 167848, MedGen C0878544, MONDO:0004994, HP:0001638. Inheritance: Various modes of inheritance.

Allele frequency attached by ClinVar (database versions not stated): TOPMed 0.00002.
gnomAD v4.1: 3 of 1,613,538 alleles (0.00019%); highest among the groups gnomAD compares: African/African-American, 0.004%; no homozygotes.

Submissions (4):

Labcorp Genetics (formerly Invitae), Labcorp
Classification: Likely benign for Arrhythmogenic right ventricular dysplasia 5. Last evaluated: 2025-10-27. Review status: criteria provided, single submitter. Criteria: Invitae Variant Classification Sherloc (09022015). Collection method: clinical testing. Allele origin: germline.

All of Us Research Program, National Institutes of Health
Classification: Likely benign for Arrhythmogenic right ventricular dysplasia 5. Last evaluated: 2024-02-05. Review status: criteria provided, single submitter. Criteria: ACMG Guidelines, 2015. Collection method: clinical testing. Allele origin: germline. Inheritance: Autosomal dominant inheritance. Observed: 2 variant alleles, 2 heterozygotes.
Comment: This study involves interpretation of variants in research participants for the purpose of population health screening. Participant phenotype was not available at the time of variant classification. Additional details can be found in publication PMID: 35346344, PMCID: PMC8962531

Color Diagnostics, LLC DBA Color Health
Classification: Likely benign for Cardiomyopathy. Last evaluated: 2023-10-18. Review status: criteria provided, single submitter. Criteria: ACMG Guidelines, 2015. Collection method: clinical testing. Allele origin: germline.

Ambry Genetics
Classification: Likely benign for Cardiovascular phenotype. Last evaluated: 2022-03-10. Review status: criteria provided, single submitter. Criteria: Ambry Variant Classification Scheme 2023. Collection method: clinical testing. Allele origin: germline.

NM_024334.3(TMEM43):c.30C>T (p.Thr10=)

Gene: TMEM43 (transmembrane protein 43; plus strand). Cytogenetic location: 3p25.1.
Variant type: single nucleotide variant.
Coding change: c.30C>T on transcript NM_024334.3 (MANE Select); coding-DNA position 30, C replaced by T.
Protein change: p.Thr10=; no amino-acid change (threonine 10 retained).
Molecular consequence: synonymous variant.
Genome position (GRCh38, 1-based): chr3:14,129,429, C>T. VCF-style: chr3-14129429-C-T. GRCh37 (hg19) VCF-style: chr3-14170929-C-T.
Identifiers: ClinVar variation 703742 (VCV000703742.14), dbSNP rs757554576, ClinGen allele CA052820.